The following is an entry in ClinVar:

NM_024753.5(TTC21B):c.913del (p.Ile305fs)

Gene: TTC21B (tetratricopeptide repeat domain 21B; minus strand). Cytogenetic location: 2q24.3.
Variant type: Deletion.
Coding change: c.913del on transcript NM_024753.5 (MANE Select); coding-DNA position 913, one base deleted (A; older notation c.913delA).
Protein change: p.Ile305fs; shifts the reading frame from isoleucine 305.
Molecular consequence: frameshift variant.
Genome position (GRCh38, 1-based): chr2:165,930,346, T deleted on the plus strand (A on the coding strand, the reverse complement: TTC21B is on the minus strand). VCF-style (leftmost placement, unchanged base first): chr2-165930345-AT-A. GRCh37 (hg19) VCF-style: chr2-166786855-AT-A.
Other names: short protein forms I305fs.
Identifiers: ClinVar variation 2943490 (VCV002943490.3), dbSNP rs2468212841, ClinGen allele CA2740095827.

ClinVar aggregate classification (germline): Pathogenic (1 of 4 stars; one submission).

Conditions:
Jeune thoracic dystrophy. Also called: Jeune syndrome; Infantile thoracic dystrophy; Thoracic pelvic phalangeal dystrophy; Jeune's syndrome; Chondroectodermal dysplasia-like syndrome; Short-rib thoracic dysplasia. Identifiers: Orphanet 474, MedGen C0265275, MONDO:0018770.
Nephronophthisis. Also called: Juvenile Nephronophthisis. Identifiers: Orphanet 655, MedGen C0687120, MONDO:0019005, HP:0000090.

Submission:

Labcorp Genetics (formerly Invitae), Labcorp
Classification: Pathogenic for Jeune thoracic dystrophy; Nephronophthisis. Last evaluated: 2023-01-21. Review status: criteria provided, single submitter. Criteria: Invitae Variant Classification Sherloc (09022015). Collection method: clinical testing. Allele origin: germline.
Comment: This sequence change creates a premature translational stop signal (p.Ile305Phefs*15) in the TTC21B gene. It is expected to result in an absent or disrupted protein product. Loss-of-function variants in TTC21B are known to be pathogenic (PMID: 18327258, 21068128, 21258341, 23559409, 24876116, 25492405, 27491411, 29068549). This variant is not present in population databases (gnomAD no frequency). This variant has not been reported in the literature in individuals affected with TTC21B-related conditions. For these reasons, this variant has been classified as Pathogenic.

Literature cited by the submitters: PubMed 18327258; PubMed 21068128; PubMed 21258341; PubMed 23559409; PubMed 24876116; PubMed 25492405; PubMed 27491411; PubMed 29068549.